The following is an entry in ClinVar:

NM_020433.5(JPH2):c.576G>A (p.Ser192=)

Gene: JPH2 (junctophilin 2; minus strand). Cytogenetic location: 20q13.12.
Variant type: single nucleotide variant.
Coding change: c.576G>A on transcript NM_020433.5 (MANE Select); coding-DNA position 576, G replaced by A.
Protein change: p.Ser192=; no amino-acid change (serine 192 retained).
Molecular consequence: synonymous variant.
Genome position (GRCh38, 1-based): chr20:44,160,211, C>T on the plus strand (G>A on the coding strand, the complement: JPH2 is on the minus strand). VCF-style: chr20-44160211-C-T. GRCh37 (hg19) VCF-style: chr20-42788851-C-T.
Identifiers: ClinVar variation 507895 (VCV000507895.15), dbSNP rs1397018944, ClinGen allele CA510739594.

ClinVar aggregate classification (germline): Likely benign. Review status: criteria provided, multiple submitters, no conflicts (2 of 4 stars). 4 submissions from 4 submitters: Likely benign (4). Last evaluated 2025-05-08.

Conditions:
JPH2-related disorder. Also called: JPH2-related condition.
Hypertrophic cardiomyopathy. Also called: HYPERTROPHIC MYOCARDIOPATHY. Identifiers: Orphanet 217569, MedGen C0007194, MeSH D002312, MONDO:0005045, HP:0001639.
Cardiovascular phenotype. Identifiers: MedGen CN230736.

Allele frequency attached by ClinVar (database versions not stated): gnomAD 0.00004; TOPMed 0.00004.
gnomAD v4.1: 15 of 1,423,378 alleles (0.0011%); highest among the groups gnomAD compares: African/African-American, 0.015%; no homozygotes.

Submissions (4):

PreventionGenetics, part of Exact Sciences
Classification: Likely benign for JPH2-related condition. Last evaluated: 2025-05-08. Review status: criteria provided, single submitter. Criteria: ACMG Guidelines, 2015. Collection method: clinical testing. Allele origin: germline.
Comment: This variant is classified as likely benign based on ACMG/AMP sequence variant interpretation guidelines (Richards et al. 2015 PMID: 25741868, with internal and published modifications).

Labcorp Genetics (formerly Invitae), Labcorp
Classification: Likely benign for Hypertrophic cardiomyopathy. Last evaluated: 2024-08-28. Review status: criteria provided, single submitter. Criteria: Invitae Variant Classification Sherloc (09022015). Collection method: clinical testing. Allele origin: germline.

Ambry Genetics
Classification: Likely benign for Cardiovascular phenotype. Last evaluated: 2020-09-18. Review status: criteria provided, single submitter. Criteria: Ambry Variant Classification Scheme 2023. Collection method: clinical testing. Allele origin: germline.

GeneDx
Classification: Likely benign. Last evaluated: 2018-08-22. Review status: criteria provided, single submitter. Criteria: GeneDx Variant Classification Process June 2021. Collection method: clinical testing. Allele origin: germline. Affected: yes.